The following is an entry in ClinVar:

NM_014874.4(MFN2):c.548G>T (p.Trp183Leu)

Gene: MFN2 (mitofusin 2; plus strand). Cytogenetic location: 1p36.22.
Variant type: single nucleotide variant.
Coding change: c.548G>T on transcript NM_014874.4 (MANE Select); coding-DNA position 548, G replaced by T.
Protein change: p.Trp183Leu; replaces tryptophan 183 with leucine.
Molecular consequence: missense variant.
Genome position (GRCh38, 1-based): chr1:11,997,370, G>T. VCF-style: chr1-11997370-G-T. GRCh37 (hg19) VCF-style: chr1-12057427-G-T.
Other names: c.548G>T (NM_014874.3); c.548G>T, p.Trp183Leu (NM_001127660.2); short protein forms W183L.
Identifiers: ClinVar variation 1060671 (VCV001060671.10), dbSNP rs2100826348, ClinGen allele CA338436689.
Genomic context (GRCh38, chr1:11,997,370, plus strand): 5'-TGGCCCATGCCCTCCACCAGGACAAGCAGCTCCATGCCGGCAGCCTAGTGAGTGTGATGT[G>T]GCCCAACTCTAAGTGCCCACTTCTGAAGGATGACCTCGTTTTGATGGACAGGTAAGAGGG-3'
Protein context (NP_055689.1, residues 173-193): LHAGSLVSVM[Trp183Leu]PNSKCPLLKD

ClinVar aggregate classification (germline): Uncertain significance. Review status: criteria provided, multiple submitters, no conflicts (2 of 4 stars). 2 submissions from 2 submitters: Uncertain significance (2). Last evaluated 2024-11-09.

Conditions:
Inborn genetic diseases. Identifiers: MedGen C0950123, MeSH D030342.
Charcot-Marie-Tooth disease type 2. Also called: Charcot-Marie-Tooth type 2. Identifiers: Orphanet 64746, MedGen C0270914, MONDO:0018993.

Submissions (2):

Ambry Genetics
Classification: Uncertain significance for Inborn genetic diseases. Last evaluated: 2024-11-09. Review status: criteria provided, single submitter. Criteria: Ambry Variant Classification Scheme 2023. Collection method: clinical testing. Allele origin: germline.

Labcorp Genetics (formerly Invitae), Labcorp
Classification: Uncertain significance for Charcot-Marie-Tooth disease type 2. Last evaluated: 2022-11-04. Review status: criteria provided, single submitter. Criteria: Invitae Variant Classification Sherloc (09022015). Collection method: clinical testing. Allele origin: germline.
Comment: In summary, the available evidence is currently insufficient to determine the role of this variant in disease. Therefore, it has been classified as a Variant of Uncertain Significance. Advanced modeling of protein sequence and biophysical properties (such as structural, functional, and spatial information, amino acid conservation, physicochemical variation, residue mobility, and thermodynamic stability) performed at Invitae indicates that this missense variant is expected to disrupt MFN2 protein function. ClinVar contains an entry for this variant (Variation ID: 1060671). This variant has not been reported in the literature in individuals affected with MFN2-related conditions. This variant is not present in population databases (gnomAD no frequency). This sequence change replaces tryptophan, which is neutral and slightly polar, with leucine, which is neutral and non-polar, at codon 183 of the MFN2 protein (p.Trp183Leu).